The following is an entry in ClinVar:

NM_000284.4(PDHA1):c.734G>A (p.Arg245Lys)

Gene: PDHA1 (pyruvate dehydrogenase E1 subunit alpha 1; plus strand). Cytogenetic location: Xp22.12.
Variant type: single nucleotide variant.
Coding change: c.734G>A on transcript NM_000284.4 (MANE Select); coding-DNA position 734, G replaced by A.
Protein change: p.Arg245Lys; replaces arginine 245 with lysine.
Molecular consequence: missense variant.
Genome position (GRCh38, 1-based): chrX:19,355,479, G>A. VCF-style: chrX-19355479-G-A. GRCh37 (hg19) VCF-style: chrX-19373597-G-A.
Other names: c.848G>A, p.Arg283Lys (NM_001173454.2); c.755G>A, p.Arg252Lys (NM_001173455.2); c.641G>A, p.Arg214Lys (NM_001173456.2); short protein forms R214K, R245K, R252K, R283K.
Identifiers: ClinVar variation 4818107 (VCV004818107.1).

ClinVar aggregate classification (germline): Likely pathogenic (1 of 4 stars; one submission).

Conditions:
Pyruvate dehydrogenase complex deficiency (PDHC). Also called: PDH DEFICIENCY; PYRUVATE DECARBOXYLASE DEFICIENCY; Ataxia with lactic acidosis 1; Pyruvate Dehydrogenase Complex Deficiency Disease; Pyruvate dehydrogenase deficiency. Identifiers: Orphanet 765, Orphanet 79243, MedGen C0034345, MONDO:0019169.

Submission:

Natera, Inc.
Classification: Likely pathogenic for Pyruvate decarboxylase deficiency. Last evaluated: 2025-10-27. Review status: criteria provided, single submitter. Criteria: Natera Variant Classification Schema (03/2026). Collection method: clinical testing. Allele origin: germline.
Comment: The c.734G>A variant in PDHA1 is a missense variant predicted to cause substitution of arginine to lysine at amino acid 245. This variant is rare in the general population with a frequency below the threshold expected for the associated phenotype(s). This variant is located in a functionally critical region of the protein. A different variant at the same position has been determined to be Pathogenic or Likely Pathogenic. Computational prediction algorithms indicate this variant is likely to affect gene or protein function. Given the available evidence, this variant is classified as Likely Pathogenic.